The following is an entry in ClinVar:

NC_000002.11:g.(?_69240632)_(74779761_?)dup

Genes: TET3 (tet methylcytosine dioxygenase 3; plus strand), TEX261 (testis expressed 261; minus strand), TGFA (transforming growth factor alpha; minus strand), TIA1 (TIA1 cytotoxic granule associated RNA binding protein; minus strand), TLX2 (T cell leukemia homeobox 2; plus strand) and 69 more. Cytogenetic location: 2p13.3-13.1.
Variant type: Duplication.
Identifiers: ClinVar variation 2427025 (VCV002427025.3).

ClinVar aggregate classification (germline): Uncertain significance (1 of 4 stars; one submission).

Submission:

Labcorp Genetics (formerly Invitae), Labcorp
Classification: Uncertain significance. Last evaluated: 2022-05-30. Review status: criteria provided, single submitter. Criteria: Invitae Variant Classification Sherloc (09022015). Collection method: clinical testing. Allele origin: germline.
Comment: A copy number gain of the genomic region encompassing the full coding sequence of the ANTXR1 gene has been identified. The boundaries of this event are unknown as they extend beyond the assayed region for this gene and therefore may encompass additional genes. As the precise location of this event is unknown, it may be in tandem or it may be located elsewhere in the genome. This variant has not been reported in the literature in individuals affected with ANTXR1-related conditions. Experimental studies and prediction algorithms are not available or were not evaluated, and the functional significance of this variant is currently unknown. In summary, the available evidence is currently insufficient to determine the role of this variant in disease. Therefore, it has been classified as a Variant of Uncertain Significance.